The following is an entry in ClinVar:

NM_170601.5(SIAE):c.59G>C (p.Arg20Thr)

Gene: SIAE (sialic acid acetylesterase; minus strand). Cytogenetic location: 11q24.2.
Variant type: single nucleotide variant.
Coding change: c.59G>C on transcript NM_170601.5 (MANE Select); coding-DNA position 59, G replaced by C.
Protein change: p.Arg20Thr; replaces arginine 20 with threonine.
Molecular consequence: missense variant. On other transcripts: intron variant (1).
Genome position (GRCh38, 1-based): chr11:124,673,650, C>G on the plus strand (G>C on the coding strand, the complement: SIAE is on the minus strand). VCF-style: chr11-124673650-C-G. GRCh37 (hg19) VCF-style: chr11-124543546-C-G.
Other names: c.-39+1608G>C (NM_001199922.2); short protein forms R20T.
Identifiers: ClinVar variation 1431620 (VCV001431620.8), dbSNP rs1943409678, ClinGen allele CA383123165.

ClinVar aggregate classification (germline): Uncertain significance (1 of 4 stars; one submission).

Allele frequency attached by ClinVar (database versions not stated): TOPMed below 0.00001.

Submission:

Labcorp Genetics (formerly Invitae), Labcorp
Classification: Uncertain significance. Last evaluated: 2021-02-26. Review status: criteria provided, single submitter. Criteria: Invitae Variant Classification Sherloc (09022015). Collection method: clinical testing. Allele origin: germline.
Comment: Algorithms developed to predict the effect of missense changes on protein structure and function output the following: SIFT: "Tolerated"; PolyPhen-2: "Benign"; Align-GVGD: "Class C0". The threonine amino acid residue is found in multiple mammalian species, suggesting that this missense change does not adversely affect protein function. These predictions have not been confirmed by published functional studies and their clinical significance is uncertain. In summary, the available evidence is currently insufficient to determine the role of this variant in disease. Therefore, it has been classified as a Variant of Uncertain Significance. This variant has not been reported in the literature in individuals with SIAE-related conditions. This variant is not present in population databases (ExAC no frequency). This sequence change replaces arginine with threonine at codon 20 of the SIAE protein (p.Arg20Thr). The arginine residue is weakly conserved and there is a moderate physicochemical difference between arginine and threonine.